The following is an entry in ClinVar:

ClinVar aggregate classification (germline): Uncertain significance (1 of 4 stars; one submission).

Allele frequency attached by ClinVar (database versions not stated): gnomAD exomes below 0.00001.
gnomAD v4.1: 2 of 1,611,716 alleles (0.00012%); highest among the groups gnomAD compares: Non-Finnish European, 0.00017%; no homozygotes.

Submission:

Labcorp Genetics (formerly Invitae), Labcorp
Classification: Uncertain significance. Last evaluated: 2024-10-29. Review status: criteria provided, single submitter. Criteria: Invitae Variant Classification Sherloc (09022015). Collection method: clinical testing. Allele origin: germline.
Comment: This sequence change replaces threonine, which is neutral and polar, with alanine, which is neutral and non-polar, at codon 3720 of the ADGRV1 protein (p.Thr3720Ala). This variant is not present in population databases (gnomAD no frequency). This variant has not been reported in the literature in individuals affected with ADGRV1-related conditions. ClinVar contains an entry for this variant (Variation ID: 1002348). Invitae Evidence Modeling of protein sequence and biophysical properties (such as structural, functional, and spatial information, amino acid conservation, physicochemical variation, residue mobility, and thermodynamic stability) indicates that this missense variant is not expected to disrupt ADGRV1 protein function with a negative predictive value of 95%. In summary, the available evidence is currently insufficient to determine the role of this variant in disease. Therefore, it has been classified as a Variant of Uncertain Significance.

NM_032119.4(ADGRV1):c.11158A>G (p.Thr3720Ala)

Gene: ADGRV1 (adhesion G protein-coupled receptor V1; plus strand). Cytogenetic location: 5q14.3.
Variant type: single nucleotide variant.
Coding change: c.11158A>G on transcript NM_032119.4 (MANE Select); coding-DNA position 11158, A replaced by G.
Protein change: p.Thr3720Ala; replaces threonine 3720 with alanine.
Molecular consequence: missense variant. On other transcripts: non-coding transcript variant (1).
Genome position (GRCh38, 1-based): chr5:90,753,610, A>G. VCF-style: chr5-90753610-A-G. GRCh37 (hg19) VCF-style: chr5-90049427-A-G.
Other names: short protein forms T3720A.
Identifiers: ClinVar variation 1002348 (VCV001002348.9), dbSNP rs1755507097, ClinGen allele CA360364519.
Genomic context (GRCh38, chr5:90,753,610, plus strand): 5'-CATCTTCTTTCTTTAAAATTCTAGATTTTATTTACTGAAGGCCAGGTACTGTCAACAATC[A>G]CTCTAACTATTCTTGCTGATAATATACCAGAGTTATCAGAGGTTGTGATTGTAACCCTCA-3'
Protein context (NP_115495.3, residues 3710-3730): FTEGQVLSTI[Thr3720Ala]LTILADNIPE